The following is an entry in ClinVar:

ClinVar aggregate classification (germline): Uncertain significance. Review status: criteria provided, single submitter (1 of 4 stars). 2 submissions from 2 submitters: Uncertain significance (1). 1 of the submissions does not count toward it. Last evaluated 2019-02-24.

Conditions:
Baller-Gerold syndrome (BGS). Also called: CRANIOSYNOSTOSIS WITH RADIAL DEFECTS. Identifiers: Orphanet 1225, MedGen C0265308, MONDO:0009039, OMIM 218600.
RECQL4-related disorder. Also called: RECQL4-related disorders; RECQL4-related condition.

Submissions (2):

Labcorp Genetics (formerly Invitae), Labcorp
Classification: Uncertain significance for Baller-Gerold syndrome. Last evaluated: 2019-02-24. Review status: criteria provided, single submitter. Criteria: Invitae Variant Classification Sherloc (09022015). Collection method: clinical testing. Allele origin: germline.
Comment: In summary, the available evidence is currently insufficient to determine the role of this variant in disease. Therefore, it has been classified as a Variant of Uncertain Significance. Algorithms developed to predict the effect of missense changes on protein structure and function are either unavailable or do not agree on the potential impact of this missense change (SIFT: "Tolerated"; PolyPhen-2: "Not Available"; Align-GVGD: "Class C0"). This variant has not been reported in the literature in individuals with RECQL4-related conditions. This variant is not present in population databases (ExAC no frequency). This sequence change replaces serine with arginine at codon 1079 of the RECQL4 protein (p.Ser1079Arg). The serine residue is highly conserved and there is a moderate physicochemical difference between serine and arginine.

PreventionGenetics, part of Exact Sciences
Classification: Uncertain significance for RECQL4-related condition. Last evaluated: 2024-06-07. Review status: no assertion criteria provided. Collection method: clinical testing. Allele origin: germline. Not counted in ClinVar's aggregate classification.
Comment: The RECQL4 c.3237C>A variant is predicted to result in the amino acid substitution p.Ser1079Arg. To our knowledge, this variant has not been reported in the literature or in a large population database, indicating this variant is rare. At this time, the clinical significance of this variant is uncertain due to the absence of conclusive functional and genetic evidence.

NM_004260.4(RECQL4):c.3237C>A (p.Ser1079Arg)

Gene: RECQL4 (RecQ like helicase 4; minus strand). Cytogenetic location: 8q24.3.
Variant type: single nucleotide variant.
Coding change: c.3237C>A on transcript NM_004260.4 (MANE Select); coding-DNA position 3237, C replaced by A.
Protein change: p.Ser1079Arg; replaces serine 1079 with arginine.
Molecular consequence: missense variant.
Genome position (GRCh38, 1-based): chr8:144,512,067, G>T on the plus strand (C>A on the coding strand, the complement: RECQL4 is on the minus strand). VCF-style: chr8-144512067-G-T. GRCh37 (hg19) VCF-style: chr8-145737450-G-T.
Other names: short protein forms S1079R.
Identifiers: ClinVar variation 834338 (VCV000834338.6), dbSNP rs770553956, ClinGen allele CA372669453.